The following is an entry in ClinVar:

ClinVar aggregate classification (germline): Uncertain significance (1 of 4 stars; one submission).

Conditions:
RYR1-related disorder. Also called: RYR1-related condition; RYR1-related disorders. Identifiers: MedGen CN239331.

Allele frequency attached by ClinVar (database versions not stated): gnomAD exomes 0.00001.
gnomAD v4.1: 9 of 1,586,980 alleles (0.00057%); highest among the groups gnomAD compares: Non-Finnish European, 0.00077%; no homozygotes.

Submission:

Labcorp Genetics (formerly Invitae), Labcorp
Classification: Uncertain significance for RYR1-related disorder. Last evaluated: 2023-07-25. Review status: criteria provided, single submitter. Criteria: Invitae Variant Classification Sherloc (09022015). Collection method: clinical testing. Allele origin: germline.
Comment: Advanced modeling of protein sequence and biophysical properties (such as structural, functional, and spatial information, amino acid conservation, physicochemical variation, residue mobility, and thermodynamic stability) has been performed at Invitae for this missense variant, however the output from this modeling did not meet the statistical confidence thresholds required to predict the impact of this variant on RYR1 protein function. This variant has not been reported in the literature in individuals affected with RYR1-related conditions. This variant is not present in population databases (gnomAD no frequency). This sequence change replaces leucine, which is neutral and non-polar, with phenylalanine, which is neutral and non-polar, at codon 4232 of the RYR1 protein (p.Leu4232Phe). In summary, the available evidence is currently insufficient to determine the role of this variant in disease. Therefore, it has been classified as a Variant of Uncertain Significance.

NM_000540.3(RYR1):c.12694C>T (p.Leu4232Phe)

Gene: RYR1 (ryanodine receptor 1; plus strand). Cytogenetic location: 19q13.2.
Variant type: single nucleotide variant.
Coding change: c.12694C>T on transcript NM_000540.3 (MANE Select); coding-DNA position 12694, C replaced by T.
Protein change: p.Leu4232Phe; replaces leucine 4232 with phenylalanine.
Molecular consequence: missense variant.
Genome position (GRCh38, 1-based): chr19:38,565,028, C>T. VCF-style: chr19-38565028-C-T. GRCh37 (hg19) VCF-style: chr19-39055668-C-T.
Other names: c.12679C>T, p.Leu4227Phe (NM_001042723.2); short protein forms L4227F, L4232F.
Identifiers: ClinVar variation 2900483 (VCV002900483.3), dbSNP rs2145843251, ClinGen allele CA405670941.